The following is an entry in ClinVar:

ClinVar aggregate classification (germline): Uncertain significance (1 of 4 stars; one submission).

Conditions:
Hereditary cancer-predisposing syndrome. Also called: Neoplastic Syndromes, Hereditary; Tumor predisposition; Hereditary neoplastic syndrome; Hereditary Cancer Syndrome. Identifiers: Orphanet 140162, MedGen C0027672, MeSH D009386, MONDO:0015356.

Submission:

Ambry Genetics
Classification: Uncertain significance for Hereditary cancer-predisposing syndrome. Last evaluated: 2026-08-15. Review status: criteria provided, single submitter. Criteria: Ambry Variant Classification Scheme 2023. Collection method: clinical testing. Allele origin: germline.
Comment: The p.G203A variant (also known as c.608G>C), located in coding exon 6 of the BMPR1A gene, results from a G to C substitution at nucleotide position 608. The glycine at codon 203 is replaced by alanine, an amino acid with similar properties. This amino acid position is conserved. In addition, the in silico prediction for this alteration is inconclusive. Based on the available evidence, the clinical significance of this variant remains unclear.

NM_004329.3(BMPR1A):c.608G>C (p.Gly203Ala)

Gene: BMPR1A (bone morphogenetic protein receptor type 1A; plus strand). Cytogenetic location: 10q23.2.
Variant type: single nucleotide variant.
Coding change: c.608G>C on transcript NM_004329.3 (MANE Select); coding-DNA position 608, G replaced by C.
Protein change: p.Gly203Ala; replaces glycine 203 with alanine.
Molecular consequence: missense variant. On other transcripts: non-coding transcript variant (3), intron variant (1).
Genome position (GRCh38, 1-based): chr10:86,912,317, G>C. VCF-style: chr10-86912317-G-C. GRCh37 (hg19) VCF-style: chr10-88672074-G-C.
Other names: c.524G>C, p.Gly175Ala (NM_001406584.1, NM_001406585.1, NM_001406586.1 and 2 more transcripts); c.683G>C, p.Gly228Ala (NM_001406559.1); c.656G>C, p.Gly219Ala (NM_001406560.1); c.608G>C, p.Gly203Ala (NM_001406561.1, NM_001406562.1, NM_001406563.1 and 20 more transcripts); c.334-4817G>C (NM_001406589.1); short protein forms G175A, G203A, G228A, G219A.
Identifiers: ClinVar variation 5033044 (VCV005033044.1).